The following is an entry in ClinVar:

NM_001256545.2(MEGF10):c.781-197A>C

Gene: MEGF10 (multiple EGF like domains 10; plus strand). Cytogenetic location: 5q23.2.
Variant type: single nucleotide variant.
Coding change: c.781-197A>C on transcript NM_001256545.2 (MANE Select); 197 bases into the intron before coding-DNA position 781, A replaced by C.
Molecular consequence: intron variant.
Genome position (GRCh38, 1-based): chr5:127,402,349, A>C. VCF-style: chr5-127402349-A-C. GRCh37 (hg19) VCF-style: chr5-126738041-A-C.
Other names: c.781-197A>C (NM_032446.3, NM_001308119.2, NM_001308121.2).
Identifiers: ClinVar variation 683182 (VCV000683182.1), dbSNP rs11952552, ClinGen allele CA12062974.

ClinVar aggregate classification (germline): Benign (1 of 4 stars; one submission).

Allele frequency attached by ClinVar (database versions not stated): gnomAD 0.22903 and 0.23313; TOPMed 0.23017; 1000 Genomes Project 0.23323; 1000 Genomes Project 30x 0.23345.
gnomAD v4.1: 34,701 of 152,154 alleles (23%); highest among the groups gnomAD compares: African/African-American, 37%; 4,527 homozygotes.

Submission:

GeneDx
Classification: Benign. Last evaluated: 2018-06-14. Review status: criteria provided, single submitter. Criteria: GeneDx Variant Classification (06012015). Collection method: clinical testing. Allele origin: germline. Affected: yes.
Comment: This variant is considered likely benign or benign based on one or more of the following criteria: it is a conservative change, it occurs at a poorly conserved position in the protein, it is predicted to be benign by multiple in silico algorithms, and/or has population frequency not consistent with disease.